The following is an entry in ClinVar:

NM_001231.5(CASQ1):c.1154T>C (p.Ile385Thr)

Gene: CASQ1 (calsequestrin 1; plus strand). Cytogenetic location: 1q23.2.
Variant type: single nucleotide variant.
Coding change: c.1154T>C on transcript NM_001231.5 (MANE Select); coding-DNA position 1154, T replaced by C.
Protein change: p.Ile385Thr; replaces isoleucine 385 with threonine.
Molecular consequence: missense variant.
Genome position (GRCh38, 1-based): chr1:160,201,339, T>C. VCF-style: chr1-160201339-T-C. GRCh37 (hg19) VCF-style: chr1-160171129-T-C.
Other names: short protein forms I385T.
Identifiers: ClinVar variation 2505628 (VCV002505628.2), dbSNP rs371278891, ClinGen allele CA1196483.

ClinVar aggregate classification (germline): Likely pathogenic (1 of 4 stars; one submission).

Allele frequency attached by ClinVar (database versions not stated): gnomAD 0.00001; TOPMed 0.00002; gnomAD exomes 0.00004; ExAC 0.00012; ESP Exome Variant Server 0.00015.
gnomAD v4.1: 60 of 1,613,862 alleles (0.0037%); highest among the groups gnomAD compares: Non-Finnish European, 0.0049%; no homozygotes.

Submission:

GeneDx
Classification: Likely pathogenic. Last evaluated: 2025-06-24. Review status: criteria provided, single submitter. Criteria: GeneDx Variant Classification Process June 2021. Collection method: clinical testing. Allele origin: germline. Affected: yes.
Comment: Published functional studies demonstrate reduced ability to increase intracellular Ca2+ store, loss of the ability to inhibit store-operated calcium entry activity, and reduced calcium storage in skeletal muscle fibers (PMID: 39126637, 28895244); In silico analysis supports that this missense variant has a deleterious effect on protein structure/function; This variant is associated with the following publications: (PMID: 28895244, 39126637)